The following is an entry in ClinVar:

NM_000535.7(PMS2):c.2353G>T (p.Glu785Ter)

Gene: PMS2 (PMS1 homolog 2, mismatch repair system component; minus strand). Cytogenetic location: 7p22.1.
Variant type: single nucleotide variant.
Coding change: c.2353G>T on transcript NM_000535.7 (MANE Select); coding-DNA position 2353, G replaced by T.
Protein change: p.Glu785Ter; replaces glutamic acid 785 with a stop codon.
Molecular consequence: nonsense. On other transcripts: non-coding transcript variant (1).
Genome position (GRCh38, 1-based): chr7:5,977,680, C>A on the plus strand (G>T on the coding strand, the complement: PMS2 is on the minus strand). VCF-style: chr7-5977680-C-A. GRCh37 (hg19) VCF-style: chr7-6017311-C-A.
Other names: c.1420G>T, p.Glu474Ter (NM_001322011.2, NM_001322012.2); c.1780G>T, p.Glu594Ter (NM_001322013.2); c.2386G>T, p.Glu796Ter (NM_001322014.2); c.2044G>T, p.Glu682Ter (NM_001322015.2); c.1948G>T, p.Glu650Ter (NM_001322003.2, NM_001322004.2, NM_001322005.2); c.2197G>T, p.Glu733Ter (NM_001322006.2); c.2035G>T, p.Glu679Ter (NM_001322007.2, NM_001322008.2); c.1981G>T, p.Glu661Ter (NM_001322009.2); and 1 more; short protein forms E785*, E594*, E796*, E474*, E598*, E661*, E682*, E733*.
Identifiers: ClinVar variation 455699 (VCV000455699.12), dbSNP rs1554293920, ClinGen allele CA366735869.

ClinVar aggregate classification (germline): Pathogenic. Review status: criteria provided, multiple submitters, no conflicts (2 of 4 stars). 3 submissions from 3 submitters: Pathogenic (3). Last evaluated 2026-02-03.

Conditions:
Hereditary nonpolyposis colorectal neoplasms. Identifiers: MedGen C0009405, MeSH D003123.
Hereditary cancer-predisposing syndrome. Also called: Neoplastic Syndromes, Hereditary; Tumor predisposition; Hereditary neoplastic syndrome; Hereditary Cancer Syndrome. Identifiers: Orphanet 140162, MedGen C0027672, MeSH D009386, MONDO:0015356.
Lynch syndrome 4 (LYNCH4). Also called: Colorectal cancer, hereditary nonpolyposis, type 4; Hereditary non-polyposis colorectal cancer, type 4. Identifiers: Orphanet 144, MedGen C1838333, MONDO:0013699, OMIM 614337. Disease mechanism: loss of function.

Submissions (3):

Ambry Genetics
Classification: Pathogenic for Hereditary cancer-predisposing syndrome. Last evaluated: 2026-02-03. Review status: criteria provided, single submitter. Criteria: Ambry Variant Classification Scheme 2023. Collection method: clinical testing. Allele origin: germline.
Comment: The p.E785* pathogenic mutation(also known as c.2353G>T), located in coding exon 14 of the PMS2 gene, results from a G to T substitution at nucleotide position 2353. This changes the amino acid from a glutamic acid to a stop codon within coding exon 14. This variant is considered to be rare based on population cohorts in the Genome Aggregation Database (gnomAD). This alteration is expected to result in loss of function by premature protein truncation or nonsense-mediated mRNA decay. As such, this alteration is interpreted as a disease-causing mutation.

Labcorp Genetics (formerly Invitae), Labcorp
Classification: Pathogenic for Hereditary nonpolyposis colorectal neoplasms. Last evaluated: 2024-06-13. Review status: criteria provided, single submitter. Criteria: Invitae Variant Classification Sherloc (09022015). Collection method: clinical testing. Allele origin: germline.
Comment: This sequence change creates a premature translational stop signal (p.Glu785*) in the PMS2 gene. It is expected to result in an absent or disrupted protein product. Loss-of-function variants in PMS2 are known to be pathogenic (PMID: 21376568, 24362816). The frequency data for this variant in the population databases (gnomAD) is considered unreliable due to the presence of homologous sequence, such as pseudogenes or paralogs, in the genome. This variant has not been reported in the literature in individuals affected with PMS2-related conditions. ClinVar contains an entry for this variant (Variation ID: 455699). For these reasons, this variant has been classified as Pathogenic.

Myriad Genetics, Inc.
Classification: Pathogenic for Lynch syndrome 4. Last evaluated: 2023-09-22. Review status: criteria provided, single submitter. Criteria: Myriad Autosomal Dominant, Autosomal Recessive and X-Linked Classification Criteria (2023). Collection method: clinical testing. Allele origin: unknown.
Comment: This variant is considered pathogenic. This variant creates a termination codon and is predicted to result in premature protein truncation.

Literature cited by the submitters: PubMed 21376568 (cited by Labcorp Genetics (formerly Invitae), Labcorp); PubMed 24362816 (cited by Labcorp Genetics (formerly Invitae), Labcorp).